The following is an entry in ClinVar:

NM_001142800.2(EYS):c.3737T>C (p.Leu1246Ser)

Gene: EYS (EGF-like photoreceptor maintenance factor; minus strand). Cytogenetic location: 6q12.
Variant type: single nucleotide variant.
Coding change: c.3737T>C on transcript NM_001142800.2 (MANE Select); coding-DNA position 3737, T replaced by C.
Protein change: p.Leu1246Ser; replaces leucine 1246 with serine.
Molecular consequence: missense variant.
Genome position (GRCh38, 1-based): chr6:64,593,257, A>G on the plus strand (T>C on the coding strand, the complement: EYS is on the minus strand). VCF-style: chr6-64593257-A-G. GRCh37 (hg19) VCF-style: chr6-65303150-A-G.
Other names: c.3737T>C, p.Leu1246Ser (NM_001292009.2); short protein forms L1246S.
Identifiers: ClinVar variation 1493486 (VCV001493486.6), dbSNP rs1766468940, ClinGen allele CA364784835.

ClinVar aggregate classification (germline): Uncertain significance (1 of 4 stars; one submission).

Allele frequency attached by ClinVar (database versions not stated): TOPMed below 0.00001.

Submission:

Labcorp Genetics (formerly Invitae), Labcorp
Classification: Uncertain significance. Last evaluated: 2025-09-08. Review status: criteria provided, single submitter. Criteria: Invitae Variant Classification Sherloc (09022015). Collection method: clinical testing. Allele origin: germline.
Comment: This sequence change replaces leucine, which is neutral and non-polar, with serine, which is neutral and polar, at codon 1246 of the EYS protein (p.Leu1246Ser). This variant is not present in population databases (gnomAD no frequency). This variant has not been reported in the literature in individuals affected with EYS-related conditions. ClinVar contains an entry for this variant (Variation ID: 1493486). Invitae Evidence Modeling of protein sequence and biophysical properties (such as structural, functional, and spatial information, amino acid conservation, physicochemical variation, residue mobility, and thermodynamic stability) indicates that this missense variant is not expected to disrupt EYS protein function with a negative predictive value of 80%. In summary, the available evidence is currently insufficient to determine the role of this variant in disease. Therefore, it has been classified as a Variant of Uncertain Significance.